The following is an entry in ClinVar:

NM_022041.4(GAN):c.500C>G (p.Thr167Arg)

Gene: GAN (gigaxonin; plus strand). Cytogenetic location: 16q23.2.
Variant type: single nucleotide variant.
Coding change: c.500C>G on transcript NM_022041.4 (MANE Select); coding-DNA position 500, C replaced by G.
Protein change: p.Thr167Arg; replaces threonine 167 with arginine.
Molecular consequence: missense variant. On other transcripts: 5 prime UTR variant (1).
Genome position (GRCh38, 1-based): chr16:81,354,622, C>G. VCF-style: chr16-81354622-C-G. GRCh37 (hg19) VCF-style: chr16-81388227-C-G.
Other names: c.-140C>G (NM_001377486.1); short protein forms T167R.
Identifiers: ClinVar variation 1803564 (VCV001803564.1), dbSNP rs143187097, ClinGen allele CA8191382.

ClinVar aggregate classification (germline): Uncertain significance (1 of 4 stars; one submission).

Submission:

GeneDx
Classification: Uncertain significance. Last evaluated: 2022-06-08. Review status: criteria provided, single submitter. Criteria: GeneDx Variant Classification Process June 2021. Collection method: clinical testing. Allele origin: germline. Affected: yes.
Comment: Not observed at significant frequency in large population cohorts (gnomAD); Missense variants in this gene are often considered pathogenic (HGMD); In silico analysis supports that this missense variant does not alter protein structure/function; Has not been previously published as pathogenic or benign to our knowledge; This variant is associated with the following publications: (PMID: 27023907)